The following is an entry in ClinVar:

NM_001845.6(COL4A1):c.4305G>T (p.Gly1435=)

Gene: COL4A1 (collagen type IV alpha 1 chain; minus strand). Cytogenetic location: 13q34.
Variant type: single nucleotide variant.
Coding change: c.4305G>T on transcript NM_001845.6 (MANE Select); coding-DNA position 4305, G replaced by T.
Protein change: p.Gly1435=; no amino-acid change (glycine 1435 retained).
Molecular consequence: synonymous variant.
Genome position (GRCh38, 1-based): chr13:110,162,387, C>A on the plus strand (G>T on the coding strand, the complement: COL4A1 is on the minus strand). VCF-style: chr13-110162387-C-A. GRCh37 (hg19) VCF-style: chr13-110814734-C-A.
Identifiers: ClinVar variation 1637720 (VCV001637720.31), dbSNP rs376372101, ClinGen allele CA7046957.
Genomic context (GRCh38, chr13:110,162,387, plus strand): 5'-TATTGTTTGACTATGCCTGGTCACAAGGAAGCCGTGATCAACAGATGGGGTGCCTGGGGG[C>A]CCCATGGATCCTGGCAACCCATCGGGGCCTGGTGGACCTGGAAATCCTCTTGGACCTGGA-3'
Protein context (NP_001836.3, residues 1425-1445): PGPDGLPGSM[Gly1435=]PPGTPSVDHG

ClinVar aggregate classification (germline): Likely benign. Review status: criteria provided, multiple submitters, no conflicts (2 of 4 stars). 2 submissions from 2 submitters: Likely benign (2). Last evaluated 2025-12-21.

Allele frequency attached by ClinVar (database versions not stated): gnomAD 0.00001; TOPMed 0.00003; ESP Exome Variant Server 0.00008.
gnomAD v4.1: 27 of 1,614,048 alleles (0.0017%); highest among the groups gnomAD compares: Non-Finnish European, 0.002%; no homozygotes.

Submissions (2):

Labcorp Genetics (formerly Invitae), Labcorp
Classification: Likely benign. Last evaluated: 2025-12-21. Review status: criteria provided, single submitter. Criteria: Invitae Variant Classification Sherloc (09022015). Collection method: clinical testing. Allele origin: germline.

CeGaT Center for Human Genetics Tuebingen
Classification: Likely benign. Last evaluated: 2023-11-01. Review status: criteria provided, single submitter. Criteria: CeGaT Center For Human Genetics Tuebingen Variant Classification Criteria Version 2. Collection method: clinical testing. Allele origin: germline. Affected: yes. Observed: 2 variant alleles.
Comment: COL4A1: BP4, BP7